The following is an entry in ClinVar:

NM_005327.7(HADH):c.50C>T (p.Thr17Ile)

Gene: HADH (hydroxyacyl-CoA dehydrogenase; plus strand). Cytogenetic location: 4q25.
Variant type: single nucleotide variant.
Coding change: c.50C>T on transcript NM_005327.7 (MANE Select); coding-DNA position 50, C replaced by T.
Protein change: p.Thr17Ile; replaces threonine 17 with isoleucine.
Molecular consequence: missense variant.
Genome position (GRCh38, 1-based): chr4:107,989,982, C>T. VCF-style: chr4-107989982-C-T. GRCh37 (hg19) VCF-style: chr4-108911138-C-T.
Other names: c.50C>T, p.Thr17Ile (NM_001184705.4); c.50C>T (NM_005327.4); short protein forms T17I.
Identifiers: ClinVar variation 2738964 (VCV002738964.2), dbSNP rs201600831, ClinGen allele CA3037318.
Genomic context (GRCh38, chr4:107,989,982, plus strand): 5'-GCTGCCACACCATGGCCTTCGTCACCAGGCAGTTCATGCGTTCCGTGTCCTCCTCGTCCA[C>T]CGCCTCGGCCTCGGCCAAGAAGATAATCGTCAAGCACGTGACGGTCATCGGCGGCGGGCT-3'
Protein context (NP_005318.6, residues 7-27): QFMRSVSSSS[Thr17Ile]ASASAKKIIV

ClinVar aggregate classification (germline): Uncertain significance. Review status: criteria provided, multiple submitters, no conflicts (2 of 4 stars). 2 submissions from 2 submitters: Uncertain significance (2). Last evaluated 2025-04-28.

Conditions:
Deficiency of 3-hydroxyacyl-CoA dehydrogenase. Also called: HADH DEFICIENCY; 3-hydroxyacyl-CoA dehydrogenase deficiency. Identifiers: Orphanet 309127, Orphanet 71212, MedGen C1291230, MONDO:0017715, OMIM 231530.
Inborn genetic diseases. Identifiers: MedGen C0950123, MeSH D030342.

Allele frequency attached by ClinVar (database versions not stated): gnomAD exomes 0.00001; TOPMed 0.00002; ExAC 0.00004; gnomAD 0.00005.
gnomAD v4.1: 27 of 1,612,676 alleles (0.0017%); highest among the groups gnomAD compares: Admixed American, 0.0067%; no homozygotes.

Submissions (2):

Ambry Genetics
Classification: Uncertain significance for Inborn genetic diseases. Last evaluated: 2025-04-28. Review status: criteria provided, single submitter. Criteria: Ambry Variant Classification Scheme 2023. Collection method: clinical testing. Allele origin: germline.

Labcorp Genetics (formerly Invitae), Labcorp
Classification: Uncertain significance for Deficiency of 3-hydroxyacyl-CoA dehydrogenase. Last evaluated: 2023-10-05. Review status: criteria provided, single submitter. Criteria: Invitae Variant Classification Sherloc (09022015). Collection method: clinical testing. Allele origin: germline.
Comment: This sequence change replaces threonine, which is neutral and polar, with isoleucine, which is neutral and non-polar, at codon 17 of the HADH protein (p.Thr17Ile). This variant is present in population databases (rs201600831, gnomAD 0.003%). This variant has not been reported in the literature in individuals affected with HADH-related conditions. An algorithm developed to predict the effect of missense changes on protein structure and function (PolyPhen-2) suggests that this variant¬†is likely to be tolerated. In summary, the available evidence is currently insufficient to determine the role of this variant in disease. Therefore, it has been classified as a Variant of Uncertain Significance.